The following is an entry in ClinVar:

NM_033343.4(LHX4):c.255C>T (p.Phe85=)

Gene: LHX4 (LIM homeobox 4; plus strand). Cytogenetic location: 1q25.2.
Variant type: single nucleotide variant.
Coding change: c.255C>T on transcript NM_033343.4 (MANE Select); coding-DNA position 255, C replaced by T.
Protein change: p.Phe85=; no amino-acid change (phenylalanine 85 retained).
Molecular consequence: synonymous variant.
Genome position (GRCh38, 1-based): chr1:180,266,398, C>T. VCF-style: chr1-180266398-C-T. GRCh37 (hg19) VCF-style: chr1-180235533-C-T.
Identifiers: ClinVar variation 2713317 (VCV002713317.5), dbSNP rs367664877, ClinGen allele CA1271849.

ClinVar aggregate classification (germline): Likely benign. Review status: criteria provided, single submitter (1 of 4 stars). 2 submissions from 2 submitters: Likely benign (1). 1 of the submissions does not count toward it. Last evaluated 2024-08-21.

Conditions:
LHX4-related disorder. Also called: LHX4-related condition.

Allele frequency attached by ClinVar (database versions not stated): gnomAD 0.00003; TOPMed 0.00003; gnomAD exomes 0.00007; ESP Exome Variant Server 0.00008; ExAC 0.00009.
gnomAD v4.1: 104 of 1,614,110 alleles (0.0064%); highest among the groups gnomAD compares: South Asian, 0.033%; no homozygotes.

Submissions (2):

Labcorp Genetics (formerly Invitae), Labcorp
Classification: Likely benign. Last evaluated: 2024-08-21. Review status: criteria provided, single submitter. Criteria: Invitae Variant Classification Sherloc (09022015). Collection method: clinical testing. Allele origin: germline.

PreventionGenetics, part of Exact Sciences
Classification: Likely benign for LHX4-related condition. Last evaluated: 2019-04-30. Review status: no assertion criteria provided. Collection method: clinical testing. Allele origin: germline. Not counted in ClinVar's aggregate classification.
Comment: This variant is classified as likely benign based on ACMG/AMP sequence variant interpretation guidelines (Richards et al. 2015 PMID: 25741868, with internal and published modifications).